The following is an entry in ClinVar:

ClinVar aggregate classification (germline): Benign. Review status: criteria provided, multiple submitters, no conflicts (2 of 4 stars). 2 submissions from 2 submitters: Benign (2). Last evaluated 2026-06-05.

Conditions:
Chuvash polycythemia. Also called: POLYCYTHEMIA, VHL-DEPENDENT. Identifiers: Orphanet 238557, MedGen C1837915, MONDO:0009892, OMIM 263400.
Von Hippel-Lindau syndrome (VHLS). Also called: Von Hippel-Lindau; von Hippel–Lindau syndrome; VHL syndrome. Identifiers: Orphanet 892, MedGen C0019562, MONDO:0008667, OMIM 193300. Disease mechanism: loss of function.
VHL-related disorder. Also called: VHL-related condition.

Allele frequency attached by ClinVar (database versions not stated): gnomAD 0.00001; TOPMed 0.00001.

Submissions (2):

PreventionGenetics, part of Exact Sciences
Classification: Benign for VHL-related condition. Last evaluated: 2026-06-05. Review status: criteria provided, single submitter. Criteria: ACMG Guidelines, 2015. Collection method: clinical testing. Allele origin: germline.
Comment: This variant is classified as benign based on ACMG/AMP sequence variant interpretation guidelines (Richards et al. 2015 PMID: 25741868, with internal and published modifications).

Labcorp Genetics (formerly Invitae), Labcorp
Classification: Benign for Von Hippel-Lindau syndrome; Chuvash polycythemia. Last evaluated: 2025-12-02. Review status: criteria provided, single submitter. Criteria: Invitae Variant Classification Sherloc (09022015). Collection method: clinical testing. Allele origin: germline.

NM_000551.4(VHL):c.340+595C>T

Genes: VHL (von Hippel-Lindau tumor suppressor; plus strand), LOC107303340 (3p25 von Hippel-Lindau tumor suppressor, E3 ubiquitin protein ligase Alu-mediated recombination region; plus strand). Cytogenetic location: 3p25.3.
Variant type: single nucleotide variant.
Coding change: c.340+595C>T on transcript NM_000551.4 (MANE Select); 595 bases into the intron after coding-DNA position 340, C replaced by T.
Molecular consequence: intron variant. On other transcripts: synonymous variant (1).
Genome position (GRCh38, 1-based): chr3:10,142,782, C>T. VCF-style: chr3-10142782-C-T. GRCh37 (hg19) VCF-style: chr3-10184466-C-T.
Other names: c.360C>T, p.Gly120= (NM_001354723.2); c.340+595C>T (NM_198156.3).
Identifiers: ClinVar variation 851648 (VCV000851648.9), dbSNP rs1335472800, ClinGen allele CA896160181.